The following is an entry in ClinVar:

NM_005529.7(HSPG2):c.5543T>G (p.Met1848Arg)

Gene: HSPG2 (heparan sulfate proteoglycan 2; minus strand). Cytogenetic location: 1p36.12.
Variant type: single nucleotide variant.
Coding change: c.5543T>G on transcript NM_005529.7 (MANE Select); coding-DNA position 5543, T replaced by G.
Protein change: p.Met1848Arg; replaces methionine 1848 with arginine.
Molecular consequence: missense variant.
Genome position (GRCh38, 1-based): chr1:21,857,047, A>C on the plus strand (T>G on the coding strand, the complement: HSPG2 is on the minus strand). VCF-style: chr1-21857047-A-C. GRCh37 (hg19) VCF-style: chr1-22183540-A-C.
Other names: c.5546T>G, p.Met1849Arg (NM_001291860.2); short protein forms M1848R, M1849R.
Identifiers: ClinVar variation 1409807 (VCV001409807.6), dbSNP rs761190577, ClinGen allele CA671901.

ClinVar aggregate classification (germline): Uncertain significance (1 of 4 stars; one submission).

Allele frequency attached by ClinVar (database versions not stated): ExAC 0.00001; gnomAD 0.00001; gnomAD exomes 0.00001 and 0.00003; TOPMed 0.00001.

Submission:

Labcorp Genetics (formerly Invitae), Labcorp
Classification: Uncertain significance. Last evaluated: 2021-10-13. Review status: criteria provided, single submitter. Criteria: Invitae Variant Classification Sherloc (09022015). Collection method: clinical testing. Allele origin: germline.
Comment: In summary, the available evidence is currently insufficient to determine the role of this variant in disease. Therefore, it has been classified as a Variant of Uncertain Significance. Algorithms developed to predict the effect of sequence changes on RNA splicing suggest that this variant may create or strengthen a splice site. Algorithms developed to predict the effect of missense changes on protein structure and function are either unavailable or do not agree on the potential impact of this missense change (SIFT: "Deleterious"; PolyPhen-2: "Probably Damaging"; Align-GVGD: "Class C0"). This missense change has been observed in individual(s) with Schwartz-Jampel syndrome (PMID: 28641477). This variant is present in population databases (rs761190577, ExAC 0.01%). This sequence change replaces methionine with arginine at codon 1848 of the HSPG2 protein (p.Met1848Arg). The methionine residue is moderately conserved and there is a moderate physicochemical difference between methionine and arginine.

Literature cited by the submitters: PubMed 28641477.